The following is an entry in ClinVar:

ClinVar aggregate classification (germline): Uncertain significance. Review status: criteria provided, multiple submitters, no conflicts (2 of 4 stars). 2 submissions from 2 submitters: Uncertain significance (2). Last evaluated 2024-09-27.

Conditions:
Inborn genetic diseases. Identifiers: MedGen C0950123, MeSH D030342.
Nephronophthisis. Also called: Juvenile Nephronophthisis. Identifiers: Orphanet 655, MedGen C0687120, MONDO:0019005, HP:0000090.

Submissions (2):

Ambry Genetics
Classification: Uncertain significance for Inborn genetic diseases. Last evaluated: 2024-09-27. Review status: criteria provided, single submitter. Criteria: Ambry Variant Classification Scheme 2023. Collection method: clinical testing. Allele origin: germline.

Labcorp Genetics (formerly Invitae), Labcorp
Classification: Uncertain significance for Nephronophthisis. Last evaluated: 2021-11-20. Review status: criteria provided, single submitter. Criteria: Invitae Variant Classification Sherloc (09022015). Collection method: clinical testing. Allele origin: germline.
Comment: In summary, the available evidence is currently insufficient to determine the role of this variant in disease. Therefore, it has been classified as a Variant of Uncertain Significance. Algorithms developed to predict the effect of missense changes on protein structure and function are either unavailable or do not agree on the potential impact of this missense change (SIFT: "Tolerated"; PolyPhen-2: "Probably Damaging"; Align-GVGD: "Class C0"). This variant has not been reported in the literature in individuals affected with NPHP4-related conditions. This variant is not present in population databases (gnomAD no frequency). This sequence change replaces leucine, which is neutral and non-polar, with isoleucine, which is neutral and non-polar, at codon 1305 of the NPHP4 protein (p.Leu1305Ile).

NM_015102.5(NPHP4):c.3913C>A (p.Leu1305Ile)

Gene: NPHP4 (nephrocystin 4; minus strand). Cytogenetic location: 1p36.31.
Variant type: single nucleotide variant.
Coding change: c.3913C>A on transcript NM_015102.5 (MANE Select); coding-DNA position 3913, C replaced by A.
Protein change: p.Leu1305Ile; replaces leucine 1305 with isoleucine.
Molecular consequence: missense variant. On other transcripts: non-coding transcript variant (1).
Genome position (GRCh38, 1-based): chr1:5,864,421, G>T on the plus strand (C>A on the coding strand, the complement: NPHP4 is on the minus strand). VCF-style: chr1-5864421-G-T. GRCh37 (hg19) VCF-style: chr1-5924481-G-T.
Other names: c.3913C>A (NM_015102.3); c.2374C>A, p.Leu792Ile (NM_001291593.2); c.2377C>A, p.Leu793Ile (NM_001291594.2); short protein forms L792I, L793I, L1305I.
Identifiers: ClinVar variation 1351203 (VCV001351203.7), dbSNP rs2100386839, ClinGen allele CA338049730.
Genomic context (GRCh38, chr1:5,864,421, plus strand): 5'-AGCAGAGGCACACGAGCCAGGAGGCCACCAGCTGGTGGCAATCCACGTCCACCAGGTTGA[G>T]ATGGACAAAGCGGCTGCCGGCCCTAAGGGGCCTCACGCCAACATGCAGGTCCTGCACCCC-3'
Protein context (NP_055917.1, residues 1295-1315): PLRAGSRFVH[Leu1305Ile]NLVDVDCHQL